The following is an entry in ClinVar:

ClinVar aggregate classification (germline): Likely benign. Review status: criteria provided, single submitter (1 of 4 stars). 2 submissions from 2 submitters: Likely benign (1). 1 of the submissions does not count toward it. Last evaluated 2024-06-26.

Conditions:
STK36-related disorder. Also called: STK36-related condition.

Allele frequency attached by ClinVar (database versions not stated): gnomAD exomes 0.00054; ExAC 0.00096; gnomAD 0.00270; ESP Exome Variant Server 0.00331; 1000 Genomes Project 0.00399; 1000 Genomes Project 30x 0.00437.
gnomAD v4.1: 1,217 of 1,614,156 alleles (0.075%); highest among the groups gnomAD compares: African/African-American, 0.98%; 7 homozygotes.

Submissions (2):

Blueprint Genetics
Classification: Likely benign. Last evaluated: 2024-06-26. Review status: criteria provided, single submitter. Criteria: ACMG Guidelines, 2015. Collection method: clinical testing. Allele origin: germline.

PreventionGenetics, part of Exact Sciences
Classification: Benign for STK36-related condition. Last evaluated: 2019-07-12. Review status: no assertion criteria provided. Collection method: clinical testing. Allele origin: germline. Not counted in ClinVar's aggregate classification.
Comment: This variant is classified as benign based on ACMG/AMP sequence variant interpretation guidelines (Richards et al. 2015 PMID: 25741868, with internal and published modifications).

NM_015690.5(STK36):c.2418A>G (p.Leu806=)

Gene: STK36 (serine/threonine kinase 36; plus strand). Cytogenetic location: 2q35.
Variant type: single nucleotide variant.
Coding change: c.2418A>G on transcript NM_015690.5 (MANE Select); coding-DNA position 2418, A replaced by G.
Protein change: p.Leu806=; no amino-acid change (leucine 806 retained).
Molecular consequence: synonymous variant.
Genome position (GRCh38, 1-based): chr2:218,694,542, A>G. VCF-style: chr2-218694542-A-G. GRCh37 (hg19) VCF-style: chr2-219559265-A-G.
Other names: c.2418A>G, p.Leu806= (NM_001243313.2, NM_001369423.1).
Identifiers: ClinVar variation 3049548 (VCV003049548.3), dbSNP rs142976480, ClinGen allele CA2111132.